The following is an entry in ClinVar:

NM_080605.4(B3GALT6):c.347A>G (p.His116Arg)

Gene: B3GALT6 (beta-1,3-galactosyltransferase 6; plus strand). Cytogenetic location: 1p36.33.
Variant type: single nucleotide variant.
Coding change: c.347A>G on transcript NM_080605.4 (MANE Select); coding-DNA position 347, A replaced by G.
Protein change: p.His116Arg; replaces histidine 116 with arginine.
Molecular consequence: missense variant.
Genome position (GRCh38, 1-based): chr1:1,232,625, A>G. VCF-style: chr1-1232625-A-G. GRCh37 (hg19) VCF-style: chr1-1168005-A-G.
Other names: short protein forms H116R.
Identifiers: ClinVar variation 1427535 (VCV001427535.8), dbSNP rs1638548585, ClinGen allele CA337824651.

ClinVar aggregate classification (germline): Uncertain significance (1 of 4 stars; one submission).

Conditions:
Spondyloepimetaphyseal dysplasia with joint laxity (SEMDJL). Identifiers: MedGen C0432243, MONDO:0019675.
Ehlers-Danlos syndrome, spondylodysplastic type, 2 (EDSSPD2). Also called: Ehlers-Danlos syndrome, progeroid type, 2. Identifiers: Orphanet 536467, Orphanet 75496, MedGen C3809210, MONDO:0014139, OMIM 615349.

Allele frequency attached by ClinVar (database versions not stated): gnomAD exomes below 0.00001; TOPMed 0.00001.
gnomAD v4.1: 1 of 1,259,860 alleles (0.000079%); highest among the groups gnomAD compares: Non-Finnish European, 0.0001%; no homozygotes.

Submission:

Labcorp Genetics (formerly Invitae), Labcorp
Classification: Uncertain significance for Ehlers-Danlos syndrome, spondylodysplastic type, 2; Spondyloepimetaphyseal dysplasia with joint laxity. Last evaluated: 2025-03-31. Review status: criteria provided, single submitter. Criteria: Invitae Variant Classification Sherloc (09022015). Collection method: clinical testing. Allele origin: germline.
Comment: This sequence change replaces histidine, which is basic and polar, with arginine, which is basic and polar, at codon 116 of the B3GALT6 protein (p.His116Arg). This variant is not present in population databases (gnomAD no frequency). This variant has not been reported in the literature in individuals affected with B3GALT6-related conditions. ClinVar contains an entry for this variant (Variation ID: 1427535). Invitae Evidence Modeling of protein sequence and biophysical properties (such as structural, functional, and spatial information, amino acid conservation, physicochemical variation, residue mobility, and thermodynamic stability) indicates that this missense variant is not expected to disrupt B3GALT6 protein function with a negative predictive value of 80%. In summary, the available evidence is currently insufficient to determine the role of this variant in disease. Therefore, it has been classified as a Variant of Uncertain Significance.